The following is an entry in ClinVar:

NM_000107.3(DDB2):c.727_732del (p.Lys243_Lys244del)

Gene: DDB2 (damage specific DNA binding protein 2; plus strand). Cytogenetic location: 11p11.2.
Variant type: Deletion.
Coding change: c.727_732del on transcript NM_000107.3 (MANE Select); coding-DNA positions 727 to 732, 6 bases deleted (AAGAAA; older notation c.727_732delAAGAAA).
Protein change: p.Lys243_Lys244del.
Molecular consequence: inframe deletion. On other transcripts: non-coding transcript variant (1), intron variant (2).
Genome position (GRCh38, 1-based): chr11:47,234,781-47,234,786, AAGAAA deleted; deleting any 6 consecutive bases within chr11:47,234,778-47,234,786 gives the same sequence; the c. name uses the placement nearest the transcript's 3' end. VCF-style (leftmost placement, unchanged base first): chr11-47234777-CAAAAAG-C. GRCh37 (hg19) VCF-style: chr11-47256328-CAAAAAG-C.
Other names: c.727_732del, p.Lys243_Lys244del (NM_001399874.1, NM_001399875.1); c.535_540del, p.Lys179_Lys180del (NM_001399878.1); c.457-3056_457-3051del (NM_001399876.1, NM_001300734.2).
Identifiers: ClinVar variation 2584821 (VCV002584821.1), dbSNP rs2540421653, ClinGen allele CA2582341868.
Genomic context (GRCh38, chr11:47,234,777, plus strand): 5'-CGGTTCTGTGTCCCCACCTGAACCGAGCTCTTCTCTGCAGCTTTGGAATCTCAGAATGCA[CAAAAAG>C]AAAGTGACGCATGTGGCCCTGAACCCATGCTGTGATTGGTTCCTGGCCACAGCCTCCGTA-3'

ClinVar aggregate classification (germline): Uncertain significance (1 of 4 stars; one submission).

Conditions:
Xeroderma pigmentosum, group E (XPE). Also called: Xeroderma pigmentosum, complementation group E; XERODERMA PIGMENTOSUM V; XP, GROUP E; DDB2-Related Xeroderma Pigmentosum; Xeroderma pigmentosum, complementation group E, DDB-negative form; Xeroderma pigmentosum, group E, DDB-negative subtype. Identifiers: Orphanet 910, MedGen C1848411, MONDO:0010213, OMIM 278740.

Submission:

Neuberg Centre For Genomic Medicine, NCGM
Classification: Uncertain significance for Xeroderma pigmentosum, group E. Review status: criteria provided, single submitter. Criteria: ACMG Guidelines, 2015. Collection method: clinical testing. Allele origin: germline. Inheritance: Autosomal recessive inheritance. Affected: yes.
Comment: The inframe deletion variant c.727_732del (p.Lys243_Lys244del) has not been reported previously as a pathogenic variant nor as a benign variant, to our knowledge. The p.Lys243_Lys244del variant is novel (not in any individuals) in gnomAD Exomes and 1000 Genomes. This p.Lys243_Lys244del causes deletion of amino acid Lysine at position 243 to Lysine at position 244. Since the variant is a in-frame deletion, it is being classified as Uncertain Significance.